The following is an entry in ClinVar:

NM_003076.5(SMARCD1):c.1495G>A (p.Val499Met)

Gene: SMARCD1 (SWI/SNF related BAF chromatin remodeling complex subunit D1; plus strand). Cytogenetic location: 12q13.12.
Variant type: single nucleotide variant.
Coding change: c.1495G>A on transcript NM_003076.5 (MANE Select); coding-DNA position 1495, G replaced by A.
Protein change: p.Val499Met; replaces valine 499 with methionine.
Molecular consequence: missense variant.
Genome position (GRCh38, 1-based): chr12:50,098,947, G>A. VCF-style: chr12-50098947-G-A. GRCh37 (hg19) VCF-style: chr12-50492730-G-A.
Other names: c.1372G>A, p.Val458Met (NM_139071.3); short protein forms V458M, V499M.
Identifiers: ClinVar variation 2574498 (VCV002574498.1), dbSNP rs2539519160, ClinGen allele CA384797335.

ClinVar aggregate classification (germline): Uncertain significance (1 of 4 stars; one submission).

Submission:

GeneDx
Classification: Uncertain significance. Last evaluated: 2023-01-29. Review status: criteria provided, single submitter. Criteria: GeneDx Variant Classification Process June 2021. Collection method: clinical testing. Allele origin: germline. Affected: yes.
Comment: Not observed at significant frequency in large population cohorts (gnomAD); In silico analysis supports that this missense variant does not alter protein structure/function; Has not been previously published as pathogenic or benign to our knowledge